The following is an entry in ClinVar:

NM_001199138.2(NLRC4):c.740T>C (p.Leu247Pro)

Gene: NLRC4 (NLR family CARD domain containing 4; minus strand). Cytogenetic location: 2p22.3.
Variant type: single nucleotide variant.
Coding change: c.740T>C on transcript NM_001199138.2 (MANE Select); coding-DNA position 740, T replaced by C.
Protein change: p.Leu247Pro; replaces leucine 247 with proline.
Molecular consequence: missense variant. On other transcripts: intron variant (1).
Genome position (GRCh38, 1-based): chr2:32,251,124, A>G on the plus strand (T>C on the coding strand, the complement: NLRC4 is on the minus strand). VCF-style: chr2-32251124-A-G. GRCh37 (hg19) VCF-style: chr2-32476193-A-G.
Other names: c.740T>C, p.Leu247Pro (NM_021209.5, NM_001199139.2); c.262+1295T>C (NM_001302504.1); short protein forms L247P.
Identifiers: ClinVar variation 2167135 (VCV002167135.4), dbSNP rs1344051951, ClinGen allele CA346514502.

ClinVar aggregate classification (germline): Uncertain significance (1 of 4 stars; one submission).

Conditions:
Periodic fever-infantile enterocolitis-autoinflammatory syndrome. Also called: Autoinflammation with infantile enterocolitis. Identifiers: Orphanet 436166, MedGen C4015067, MONDO:0014472, OMIM 616050.
Familial cold autoinflammatory syndrome 4 (FCAS4). Identifiers: Orphanet 47045, Orphanet 576349, MedGen C4015276, MONDO:0014498, OMIM 616115.

Allele frequency attached by ClinVar (database versions not stated): gnomAD exomes below 0.00001; TOPMed 0.00001; gnomAD 0.00001.
gnomAD v4.1: 5 of 1,614,082 alleles (0.00031%); highest among the groups gnomAD compares: Non-Finnish European, 0.00042%; no homozygotes.

Submission:

Labcorp Genetics (formerly Invitae), Labcorp
Classification: Uncertain significance for Periodic fever-infantile enterocolitis-autoinflammatory syndrome; Familial cold autoinflammatory syndrome 4. Last evaluated: 2022-11-25. Review status: criteria provided, single submitter. Criteria: Invitae Variant Classification Sherloc (09022015). Collection method: clinical testing. Allele origin: germline.
Comment: This sequence change replaces leucine, which is neutral and non-polar, with proline, which is neutral and non-polar, at codon 247 of the NLRC4 protein (p.Leu247Pro). This variant is not present in population databases (gnomAD no frequency). This variant has not been reported in the literature in individuals affected with NLRC4-related conditions. Advanced modeling of protein sequence and biophysical properties (such as structural, functional, and spatial information, amino acid conservation, physicochemical variation, residue mobility, and thermodynamic stability) performed at Invitae indicates that this missense variant is expected to disrupt NLRC4 protein function. In summary, the available evidence is currently insufficient to determine the role of this variant in disease. Therefore, it has been classified as a Variant of Uncertain Significance.